The following is an entry in ClinVar:

NM_002439.5(MSH3):c.3046G>T (p.Glu1016Ter)

Gene: MSH3 (mutS homolog 3; plus strand). Cytogenetic location: 5q14.1.
Variant type: single nucleotide variant.
Coding change: c.3046G>T on transcript NM_002439.5 (MANE Select); coding-DNA position 3046, G replaced by T.
Protein change: p.Glu1016Ter; replaces glutamic acid 1016 with a stop codon.
Molecular consequence: nonsense.
Genome position (GRCh38, 1-based): chr5:80,864,858, G>T. VCF-style: chr5-80864858-G-T. GRCh37 (hg19) VCF-style: chr5-80160677-G-T.
Other names: c.3046G>T (NM_002439.3); short protein forms E1016*.
Identifiers: ClinVar variation 1941298 (VCV001941298.8), dbSNP rs2478789143, ClinGen allele CA360346206.

ClinVar aggregate classification (germline): Pathogenic. Review status: criteria provided, multiple submitters, no conflicts (2 of 4 stars). 3 submissions from 3 submitters: Pathogenic (3). Last evaluated 2024-10-27.

Conditions:
Hereditary cancer-predisposing syndrome. Also called: Tumor predisposition; Hereditary neoplastic syndrome; Neoplastic Syndromes, Hereditary; Hereditary Cancer Syndrome. Identifiers: Orphanet 140162, MedGen C0027672, MeSH D009386, MONDO:0015356.
Familial adenomatous polyposis 4 (FAP4). Also called: MSH3-related attenuated familial adenomatous polyposis. Identifiers: Orphanet 480536, MedGen C4310719, MONDO:0044300, OMIM 617100.

Submissions (3):

Labcorp Genetics (formerly Invitae), Labcorp
Classification: Pathogenic. Last evaluated: 2024-10-27. Review status: criteria provided, single submitter. Criteria: Invitae Variant Classification Sherloc (09022015). Collection method: clinical testing. Allele origin: germline.
Comment: This sequence change creates a premature translational stop signal (p.Glu1016*) in the MSH3 gene. It is expected to result in an absent or disrupted protein product. Loss-of-function variants in MSH3 are known to be pathogenic (PMID: 27476653, 37402566). This variant is not present in population databases (gnomAD no frequency). This variant has not been reported in the literature in individuals affected with MSH3-related conditions. ClinVar contains an entry for this variant (Variation ID: 1941298). For these reasons, this variant has been classified as Pathogenic.

Myriad Genetics, Inc.
Classification: Pathogenic for Familial adenomatous polyposis 4. Last evaluated: 2024-07-26. Review status: criteria provided, single submitter. Criteria: Myriad Autosomal Dominant, Autosomal Recessive and X-Linked Classification Criteria (2023). Collection method: clinical testing. Allele origin: unknown.
Comment: This variant is considered pathogenic. This variant creates a termination codon and is predicted to result in premature protein truncation.

Ambry Genetics
Classification: Pathogenic for Hereditary cancer-predisposing syndrome. Last evaluated: 2023-02-27. Review status: criteria provided, single submitter. Criteria: Ambry Variant Classification Scheme 2023. Collection method: clinical testing. Allele origin: germline.
Comment: The p.E1016* pathogenic mutation (also known as c.3046G>T), located in coding exon 22 of the MSH3 gene, results from a G to T substitution at nucleotide position 3046. This changes the amino acid from a glutamic acid to a stop codon within coding exon 22. This variant is considered to be rare based on population cohorts in the Genome Aggregation Database (gnomAD). This alteration is expected to result in loss of function by premature protein truncation or nonsense-mediated mRNA decay. As such, this alteration is interpreted as a disease-causing mutation.

Literature cited by the submitters: PubMed 27476653 (cited by Labcorp Genetics (formerly Invitae), Labcorp); PubMed 37402566 (cited by Labcorp Genetics (formerly Invitae), Labcorp).